The following is an entry in ClinVar:

ClinVar aggregate classification (germline): Likely benign (1 of 4 stars; one submission).

Allele frequency attached by ClinVar (database versions not stated): 1000 Genomes Project 30x 0.00265; 1000 Genomes Project 0.00300; TOPMed 0.00573; ExAC 0.00626; gnomAD 0.00632; ESP Exome Variant Server 0.00684; gnomAD exomes 0.00832.
gnomAD v4.1: 12,843 of 1,596,020 alleles (0.8%); highest among the groups gnomAD compares: Non-Finnish European, 0.97%; 60 homozygotes.

Submission:

CeGaT Center for Human Genetics Tuebingen
Classification: Likely benign. Last evaluated: 2023-04-01. Review status: criteria provided, single submitter. Criteria: CeGaT Center For Human Genetics Tuebingen Variant Classification Criteria Version 2. Collection method: clinical testing. Allele origin: germline. Affected: yes. Observed: 1 variant allele.
Comment: PRR11: BP4, BS2

NM_018304.4(PRR11):c.20G>A (p.Arg7Gln)

Gene: PRR11 (proline rich 11; plus strand). Cytogenetic location: 17q22.
Variant type: single nucleotide variant.
Coding change: c.20G>A on transcript NM_018304.4 (MANE Select); coding-DNA position 20, G replaced by A.
Protein change: p.Arg7Gln; replaces arginine 7 with glutamine.
Molecular consequence: missense variant.
Genome position (GRCh38, 1-based): chr17:59,169,772, G>A. VCF-style: chr17-59169772-G-A. GRCh37 (hg19) VCF-style: chr17-57247133-G-A.
Other names: short protein forms R7Q.
Identifiers: ClinVar variation 2647972 (VCV002647972.24), dbSNP rs145780567, ClinGen allele CA8679054.